The following continues an entry in ClinVar:

NM_025114.4(CEP290):c.4655AAG[2] (p.Glu1554del)

Gene: CEP290. ClinVar aggregate classification (germline): Pathogenic. Pathogenic (1).

Submissions 8 to 16 of 16:

GeneDx
Classification: Likely pathogenic. Last evaluated: 2022-12-21. Review status: criteria provided, single submitter. Criteria: GeneDx Variant Classification Process June 2021. Collection method: clinical testing. Allele origin: germline. Affected: yes. Not counted in ClinVar's aggregate classification.
Comment: Not observed at significant frequency in large population cohorts (gnomAD); In-frame deletion of one amino acid in a non-repeat region; Identified in individuals in the published literature with clinical features of a CEP290-related disorder who also harbored a second variant in CEP290, although the phase of these variants was not known (Perrault et al., 2007; Han et al., 2017; Yzer et al., 2012; Testa et al., 2021; Surl et al., 2020); This variant is associated with the following publications: (PMID: 33970760, 28973549, 19466712, 17345604, 28966547, 29398085, 22355252, 32165824, 34196655, 20690115)

Blueprint Genetics
Classification: Pathogenic for CEP290-related disorders. Last evaluated: 2022-03-11. Review status: criteria provided, single submitter. Criteria: ACMG Guidelines, 2015. Collection method: clinical testing. Allele origin: germline. Affected: yes. Observed: 5 variant alleles. Not counted in ClinVar's aggregate classification.

Institute of Medical Genetics and Applied Genomics, University Hospital Tübingen
Classification: Pathogenic. Last evaluated: 2021-06-17. Review status: criteria provided, single submitter. Criteria: ACMG Guidelines, 2015. Collection method: clinical testing. Allele origin: germline. Inheritance: Autosomal recessive inheritance. Affected: yes. Not counted in ClinVar's aggregate classification.

DBGen Ocular Genomics
Classification: Uncertain significance for Leber congenital amaurosis 10. Last evaluated: 2021-06-01. Review status: criteria provided, single submitter. Criteria: ACMG Guidelines, 2015. Collection method: clinical testing. Allele origin: germline. Affected: yes. Observed: 1 variant allele. Not counted in ClinVar's aggregate classification.

Juno Genomics, Hangzhou Juno Genomics, Inc
Classification: Pathogenic for Bardet-Biedl syndrome 14; Joubert syndrome 5; Leber congenital amaurosis 10; Meckel syndrome, type 4; Senior-Loken syndrome 6. Review status: criteria provided, single submitter. Criteria: ACMG Guidelines, 2015. Collection method: clinical testing. Allele origin: germline. Affected: yes. Not counted in ClinVar's aggregate classification.
Comment: Absent from controls (or at extremely low frequency if recessive) in Genome Aggregation Database, Exome Sequencing Project, 1000 Genomes Project, or Exome Aggregation Consortium.;Protein length changes due to in-frame deletions/insertions in a non-repeat region or stop-loss variants.;For recessive disorders, detected in trans with a pathogenic variant.;Patient's phenotype or family history is highly specific for a disease with a single genetic etiology.;Co-segregation with disease in multiple affected family members in a gene definitively known to cause the disease.

Kariminejad - Najmabadi Pathology & Genetics Center
Classification: Likely pathogenic for Leber congenital amaurosis 10. Review status: criteria provided, single submitter. Criteria: ACMG Guidelines, 2015. Collection method: clinical testing. Allele origin: germline. Affected: no. Not counted in ClinVar's aggregate classification.

PreventionGenetics, part of Exact Sciences
Classification: Pathogenic for CEP290-related condition. Last evaluated: 2024-09-06. Review status: no assertion criteria provided. Collection method: clinical testing. Allele origin: germline. Not counted in ClinVar's aggregate classification.
Comment: The CEP290 c.4661_4663delAAG variant is predicted to result in an in-frame deletion (p.Glu1554del). This variant has been reported in individuals with Leber congenital amaurosis (Perrault et al. 2007. PubMed ID: 17345604; Supplementary Figure 3, Srivastava et al. 2017. PubMed ID: 28973549; Han et al. 2017. PubMed ID: 28966547). This variant is reported in 0.010% of alleles in individuals of East Asian descent in gnomAD. This variant is interpreted as pathogenic.

Clinical Genetics DNA and cytogenetics Diagnostics Lab, Erasmus MC, Erasmus Medical Center
Classification: Pathogenic. Review status: no assertion criteria provided. Collection method: clinical testing. Allele origin: germline. Affected: yes. Study: VKGL Data-share Consensus. Not counted in ClinVar's aggregate classification.

Joint Genome Diagnostic Labs from Nijmegen and Maastricht, Radboudumc and MUMC+
Classification: Likely pathogenic. Review status: no assertion criteria provided. Collection method: clinical testing. Allele origin: germline. Affected: yes. Study: VKGL Data-share Consensus. Not counted in ClinVar's aggregate classification.

Literature cited by the submitters: PubMed 17345604 (cited by 3 submitters); PubMed 28973549 (cited by Ambry Genetics and Labcorp Genetics (formerly Invitae), Labcorp); PubMed 34196655 (cited by Ambry Genetics); PubMed 37510321 (cited by Ambry Genetics); PubMed 37734845 (cited by Ambry Genetics); PubMed 38219857 (cited by Ambry Genetics); PubMed 26047050 (cited by Natera, Inc.); PubMed 27422788 (cited by Natera, Inc.); PubMed 33970760 (cited by Natera, Inc.); PubMed 29398085 (cited by Natera, Inc. and Labcorp Genetics (formerly Invitae), Labcorp); PubMed 40180963 (cited by Ophthalmic Genetics Group, Institute of Molecular and Clinical Ophthalmology Basel).